The following is an entry in ClinVar:

NM_020765.3(UBR4):c.14721C>T (p.Ala4907=)

Gene: UBR4 (ubiquitin protein ligase E3 component n-recognin 4; minus strand). Cytogenetic location: 1p36.13.
Variant type: single nucleotide variant.
Coding change: c.14721C>T on transcript NM_020765.3 (MANE Select); coding-DNA position 14721, C replaced by T.
Protein change: p.Ala4907=; no amino-acid change (alanine 4907 retained).
Molecular consequence: synonymous variant.
Genome position (GRCh38, 1-based): chr1:19,086,237, G>A on the plus strand (C>T on the coding strand, the complement: UBR4 is on the minus strand). VCF-style: chr1-19086237-G-A. GRCh37 (hg19) VCF-style: chr1-19412731-G-A.
Identifiers: ClinVar variation 3058010 (VCV003058010.2), dbSNP rs373288538, ClinGen allele CA648131.

ClinVar aggregate classification (germline): Likely benign (0 of 4 stars; one submission).

Conditions:
UBR4-related disorder. Also called: UBR4-related condition.

Allele frequency attached by ClinVar (database versions not stated): ESP Exome Variant Server 0.00008; gnomAD 0.00010; TOPMed 0.00012.
gnomAD v4.1: 114 of 1,609,214 alleles (0.0071%); highest among the groups gnomAD compares: East Asian, 0.061%; no homozygotes.

Submission:

PreventionGenetics, part of Exact Sciences
Classification: Likely benign for UBR4-related condition. Last evaluated: 2019-04-01. Review status: no assertion criteria provided. Collection method: clinical testing. Allele origin: germline.
Comment: This variant is classified as likely benign based on ACMG/AMP sequence variant interpretation guidelines (Richards et al. 2015 PMID: 25741868, with internal and published modifications).